The following is an entry in ClinVar:

NM_001174147.2(LMX1B):c.232G>A (p.Glu78Lys)

Gene: LMX1B (LIM homeobox transcription factor 1 beta; plus strand). Cytogenetic location: 9q33.3.
Variant type: single nucleotide variant.
Coding change: c.232G>A on transcript NM_001174147.2 (MANE Select); coding-DNA position 232, G replaced by A.
Protein change: p.Glu78Lys; replaces glutamic acid 78 with lysine.
Molecular consequence: missense variant.
Genome position (GRCh38, 1-based): chr9:126,615,475, G>A. VCF-style: chr9-126615475-G-A. GRCh37 (hg19) VCF-style: chr9-129377754-G-A.
Other names: c.232G>A, p.Glu78Lys (NM_001174146.2, NM_002316.4); short protein forms E78K.
Identifiers: ClinVar variation 1461567 (VCV001461567.8), dbSNP rs1835285480, ClinGen allele CA374910040.
Genomic context (GRCh38, chr9:126,615,475, plus strand): 5'-GGCTGCCAGCGGCCCATCTCCGACCGCTTCCTGATGCGAGTCAACGAGTCGTCCTGGCAC[G>A]AGGAGTGTTTGCAGTGCGCGGCGTGTCAGCAAGCCCTCACCACCAGCTGCTACTTCCGGG-3'
Protein context (NP_001167618.1, residues 68-88): LMRVNESSWH[Glu78Lys]ECLQCAACQQ

ClinVar aggregate classification (germline): Uncertain significance (1 of 4 stars; one submission).

Allele frequency attached by ClinVar (database versions not stated): gnomAD exomes below 0.00001.
gnomAD v4.1: 2 of 1,611,160 alleles (0.00012%); highest among the groups gnomAD compares: Non-Finnish European, 0.000085%; no homozygotes.

Submission:

Labcorp Genetics (formerly Invitae), Labcorp
Classification: Uncertain significance. Last evaluated: 2021-07-06. Review status: criteria provided, single submitter. Criteria: Invitae Variant Classification Sherloc (09022015). Collection method: clinical testing. Allele origin: germline.
Comment: This sequence change replaces glutamic acid with lysine at codon 78 of the LMX1B protein (p.Glu78Lys). The glutamic acid residue is moderately conserved and there is a small physicochemical difference between glutamic acid and lysine. This variant is not present in population databases (ExAC no frequency). This variant has not been reported in the literature in individuals affected with LMX1B-related conditions. Algorithms developed to predict the effect of missense changes on protein structure and function are either unavailable or do not agree on the potential impact of this missense change (SIFT: "Deleterious"; PolyPhen-2: "Possibly Damaging"; Align-GVGD: "Class C0"). In summary, the available evidence is currently insufficient to determine the role of this variant in disease. Therefore, it has been classified as a Variant of Uncertain Significance.